The following is an entry in ClinVar:

ClinVar aggregate classification (germline): Uncertain significance (1 of 4 stars; one submission).

Conditions:
Hereditary cancer-predisposing syndrome. Also called: Neoplastic Syndromes, Hereditary; Tumor predisposition; Hereditary Cancer Syndrome; Hereditary neoplastic syndrome. Identifiers: Orphanet 140162, MedGen C0027672, MeSH D009386, MONDO:0015356.

Submission:

Ambry Genetics
Classification: Uncertain significance for Hereditary cancer-predisposing syndrome. Last evaluated: 2025-09-25. Review status: criteria provided, single submitter. Criteria: Ambry Variant Classification Scheme 2023. Collection method: clinical testing. Allele origin: germline.
Comment: The c.4236+3_4236+15del13 intronic variant, located in intron 27 of the ATM gene, results from a deletion of 13 nucleotides at positions c.4236+3 to c.4236+15. This nucleotide region is conserved in available vertebrate species. In silico splice site analysis for this alteration is inconclusive, and direct evidence is insufficient at this time (Ambry internal data). Based on the available evidence, the clinical significance of this variant remains unclear.

NM_000051.4(ATM):c.4236+3_4236+15del

Gene: ATM (ATM serine/threonine kinase; plus strand). Cytogenetic location: 11q22.3.
Variant type: Deletion.
Coding change: c.4236+3_4236+15del on transcript NM_000051.4 (MANE Select); bases 3 to 15 of the intron after coding-DNA position 4236, 13 bases deleted (AAGTATACATGAT).
Molecular consequence: splice donor variant.
Genome position (GRCh38, 1-based): chr11:108,289,106-108,289,118, AAGTATACATGAT deleted; deleting any 13 consecutive bases within chr11:108,289,105-108,289,118 gives the same sequence; the c. name uses the placement nearest the transcript's 3' end. VCF-style (leftmost placement, unchanged base first): chr11-108289104-GTAAGTATACATGA-G. GRCh37 (hg19) VCF-style: chr11-108159831-GTAAGTATACATGA-G.
Other names: c.4236+3_4236+15del (NM_001351834.2).
Identifiers: ClinVar variation 4617290 (VCV004617290.1).
Genomic context (GRCh38, chr11:108,289,104, plus strand): 5'-ATCAGCAATTGTCATAAAACCAAGTTAAAAAGCATTTTAGAAATTCTTTCCAAAAGCCCT[GTAAGTATACATGA>G]TGAGTTTAATAATAGAACATTCCTTCTTTTTTAGCTAAAAAAACTTTGTAAATACATCTT-3'